The following is an entry in ClinVar:

NM_015726.4(DCAF8):c.949C>T (p.Arg317Cys)

Gene: DCAF8 (DDB1 and CUL4 associated factor 8; minus strand). Cytogenetic location: 1q23.2.
Variant type: single nucleotide variant.
Coding change: c.949C>T on transcript NM_015726.4 (MANE Select); coding-DNA position 949, C replaced by T.
Protein change: p.Arg317Cys; replaces arginine 317 with cysteine.
Molecular consequence: missense variant. On other transcripts: non-coding transcript variant (2).
Genome position (GRCh38, 1-based): chr1:160,237,145, G>A on the plus strand (C>T on the coding strand, the complement: DCAF8 is on the minus strand). VCF-style: chr1-160237145-G-A. GRCh37 (hg19) VCF-style: chr1-160206935-G-A.
Other names: short protein forms R317C.
Identifiers: ClinVar variation 133348 (VCV000133348.15), dbSNP rs587777425, ClinGen allele CA156437.

ClinVar aggregate classification (germline): Likely pathogenic. Review status: criteria provided, single submitter (1 of 4 stars). 2 submissions from 2 submitters: Likely pathogenic (1). 1 of the submissions does not count toward it. Last evaluated 2024-12-01.

Conditions:
Giant axonal neuropathy 2. Also called: Giant axonal neuropathy 2, autosomal dominant. Identifiers: Orphanet 401964, MedGen C1864695, MONDO:0012411, OMIM 610100.

Allele frequency attached by ClinVar (database versions not stated): ExAC below 0.00001; gnomAD exomes 0.00001.
gnomAD v4.1: 15 of 1,566,158 alleles (0.00096%); highest among the groups gnomAD compares: Admixed American, 0.0019%; no homozygotes.

Submissions (2):

CeGaT Center for Human Genetics Tuebingen
Classification: Likely pathogenic. Last evaluated: 2024-12-01. Review status: criteria provided, single submitter. Criteria: CeGaT Center For Human Genetics Tuebingen Variant Classification Criteria Version 2. Collection method: clinical testing. Allele origin: germline. Affected: yes. Observed: 1 variant allele.
Comment: DCAF8: PP1:Strong, PM2:Supporting, PP2, PS3:Supporting, PS4:Supporting

OMIM
Classification: Pathogenic for GIANT AXONAL NEUROPATHY 2, AUTOSOMAL DOMINANT (1 family). Last evaluated: 2014-03-11. Review status: no assertion criteria provided. Collection method: literature only. Allele origin: germline. Not counted in ClinVar's aggregate classification.

Literature cited by the submitters: PubMed 3859241 (cited by OMIM); PubMed 24500646 (cited by OMIM).